The following is an entry in ClinVar:

ClinVar aggregate classification (germline): Uncertain significance (1 of 4 stars; one submission).

Conditions:
Tuberous sclerosis 1 (TSC1). Identifiers: Orphanet 805, MedGen C1854465, MONDO:0008612, OMIM 191100.

Allele frequency attached by ClinVar (database versions not stated): gnomAD exomes below 0.00001.
gnomAD v4.1: 1 of 1,614,182 alleles (0.000062%); highest among the groups gnomAD compares: East Asian, 0.0022%; no homozygotes.

Submission:

Labcorp Genetics (formerly Invitae), Labcorp
Classification: Uncertain significance for Tuberous sclerosis 1. Last evaluated: 2025-04-21. Review status: criteria provided, single submitter. Criteria: Invitae Variant Classification Sherloc (09022015). Collection method: clinical testing. Allele origin: germline.
Comment: This sequence change replaces proline, which is neutral and non-polar, with serine, which is neutral and polar, at codon 1140 of the TSC1 protein (p.Pro1140Ser). This variant is not present in population databases (gnomAD no frequency). This variant has not been reported in the literature in individuals affected with TSC1-related conditions. ClinVar contains an entry for this variant (Variation ID: 1431901). Invitae Evidence Modeling of protein sequence and biophysical properties (such as structural, functional, and spatial information, amino acid conservation, physicochemical variation, residue mobility, and thermodynamic stability) indicates that this missense variant is not expected to disrupt TSC1 protein function with a negative predictive value of 95%. In summary, the available evidence is currently insufficient to determine the role of this variant in disease. Therefore, it has been classified as a Variant of Uncertain Significance.

NM_000368.5(TSC1):c.3418C>T (p.Pro1140Ser)

Gene: TSC1 (TSC complex subunit 1; minus strand). Cytogenetic location: 9q34.13.
Variant type: single nucleotide variant.
Coding change: c.3418C>T on transcript NM_000368.5 (MANE Select); coding-DNA position 3418, C replaced by T.
Protein change: p.Pro1140Ser; replaces proline 1140 with serine.
Molecular consequence: missense variant.
Genome position (GRCh38, 1-based): chr9:132,896,312, G>A on the plus strand (C>T on the coding strand, the complement: TSC1 is on the minus strand). VCF-style: chr9-132896312-G-A. GRCh37 (hg19) VCF-style: chr9-135771699-G-A.
Other names: c.3415C>T, p.Pro1139Ser (NM_001162426.2); c.3265C>T, p.Pro1089Ser (NM_001162427.2); c.3055C>T, p.Pro1019Ser (NM_001362177.2); short protein forms P1139S, P1140S, P1089S, P1019S.
Identifiers: ClinVar variation 1431901 (VCV001431901.7), dbSNP rs2131588755, ClinGen allele CA375366412.